The following is an entry in ClinVar:

ClinVar aggregate classification (germline): Likely benign. Review status: criteria provided, multiple submitters, no conflicts (2 of 4 stars). 2 submissions from 2 submitters: Likely benign (2). Last evaluated 2024-09-26.

Conditions:
Hereditary sensory and autonomic neuropathy type 6. Also called: HSAN VI; Neuropathy, hereditary sensory and autonomic, type VI. Identifiers: Orphanet 314381, MedGen C3539003, MONDO:0013839, OMIM 614653.
Epidermolysis bullosa simplex 3, localized or generalized intermediate, with BP230 deficiency (EBS3). Also called: Epidermolysis bullosa simplex, autosomal recessive 2; Epidermolysis bullosa simplex due to BP230 deficiency. Identifiers: Orphanet 412181, MedGen C3809470, MONDO:0014180, OMIM 615425.

Allele frequency attached by ClinVar (database versions not stated): gnomAD exomes 0.00002; TOPMed 0.00002; ExAC 0.00004; gnomAD 0.00005; ESP Exome Variant Server 0.00008.
gnomAD v4.1: 71 of 1,614,030 alleles (0.0044%); highest among the groups gnomAD compares: African/African-American, 0.008%; no homozygotes.

Submissions (2):

Labcorp Genetics (formerly Invitae), Labcorp
Classification: Likely benign for Epidermolysis bullosa simplex 3, localized or generalized intermediate, with BP230 deficiency; Hereditary sensory and autonomic neuropathy type 6. Last evaluated: 2024-09-26. Review status: criteria provided, single submitter. Criteria: Invitae Variant Classification Sherloc (09022015). Collection method: clinical testing. Allele origin: germline.

CeGaT Center for Human Genetics Tuebingen
Classification: Likely benign. Last evaluated: 2024-09-01. Review status: criteria provided, single submitter. Criteria: CeGaT Center For Human Genetics Tuebingen Variant Classification Criteria Version 2. Collection method: clinical testing. Allele origin: germline. Affected: yes. Observed: 1 variant allele.
Comment: DST: BP4, BP7

NM_001723.7(DST):c.5058G>A (p.Ala1686=)

Gene: DST (dystonin; minus strand). Cytogenetic location: 6p12.1.
Variant type: single nucleotide variant.
Coding change: c.5058G>A on transcript NM_001723.7 (MANE Plus Clinical); coding-DNA position 5058, G replaced by A.
Protein change: p.Ala1686=; no amino-acid change (alanine 1686 retained).
Molecular consequence: synonymous variant. On other transcripts: intron variant (10).
Genome position (GRCh38, 1-based): chr6:56,618,976, C>T on the plus strand (G>A on the coding strand, the complement: DST is on the minus strand). VCF-style: chr6-56618976-C-T. GRCh37 (hg19) VCF-style: chr6-56483774-C-T.
Other names: c.4831-4492G>A (NM_001144769.5); c.4930-4492G>A (NM_001374722.1, NM_001374736.1); c.4957-4492G>A (NM_001374734.1); c.4417-4492G>A (NM_001144770.2); c.4297-4492G>A (NM_001374730.1, NM_001386100.1, NM_183380.4 and 1 more transcripts); c.3319-4492G>A (NM_015548.5).
Identifiers: ClinVar variation 541478 (VCV000541478.28), dbSNP rs143594621, ClinGen allele CA3870427.
Genomic context (GRCh38, chr6:56,618,976, plus strand): 5'-TTGTTGTAGCTGAACTTTCTGCTCCCCGCGTCGCTTCTCTTCTTTGGAAGCATTCAGTTC[C>T]GCATTCAGATTTCTAACTTCTTTCTTGGTATTCTGGATGATAATGTTCTGTTGGTCACAC-3'
Protein context (NP_001714.1, residues 1676-1696): NTKKEVRNLN[Ala1686=]ELNASKEEKR